The following is an entry in ClinVar:

ClinVar aggregate classification (germline): Likely benign. Review status: criteria provided, single submitter (1 of 4 stars). 2 submissions from 2 submitters: Likely benign (1). 1 of the submissions does not count toward it. Last evaluated 2025-06-04.

Conditions:
Distal hereditary motor neuropathy type 2. Identifiers: Orphanet 139525, MedGen C3711384, MeSH C580044, MONDO:0015352.
FBXO38-related disorder. Also called: FBXO38-related condition.

Allele frequency attached by ClinVar (database versions not stated): gnomAD exomes 0.00002 and 0.00004; 1000 Genomes Project 0.00020; gnomAD 0.00020 and 0.00023; ESP Exome Variant Server 0.00023; 1000 Genomes Project 30x 0.00031; ExAC 0.00006; TOPMed 0.00019.
gnomAD v4.1: 64 of 1,609,844 alleles (0.004%); highest among the groups gnomAD compares: African/African-American, 0.071%; no homozygotes.

Submissions (2):

Labcorp Genetics (formerly Invitae), Labcorp
Classification: Likely benign for Distal hereditary motor neuropathy type 2. Last evaluated: 2025-06-04. Review status: criteria provided, single submitter. Criteria: Invitae Variant Classification Sherloc (09022015). Collection method: clinical testing. Allele origin: germline.

PreventionGenetics, part of Exact Sciences
Classification: Likely benign for FBXO38-related condition. Last evaluated: 2019-06-14. Review status: no assertion criteria provided. Collection method: clinical testing. Allele origin: germline. Not counted in ClinVar's aggregate classification.
Comment: This variant is classified as likely benign based on ACMG/AMP sequence variant interpretation guidelines (Richards et al. 2015 PMID: 25741868, with internal and published modifications).

NM_205836.3(FBXO38):c.456A>G (p.Val152=)

Gene: FBXO38 (F-box protein 38; plus strand). Cytogenetic location: 5q32.
Variant type: single nucleotide variant.
Coding change: c.456A>G on transcript NM_205836.3 (MANE Select); coding-DNA position 456, A replaced by G.
Protein change: p.Val152=; no amino-acid change (valine 152 retained).
Molecular consequence: synonymous variant.
Genome position (GRCh38, 1-based): chr5:148,402,377, A>G. VCF-style: chr5-148402377-A-G. GRCh37 (hg19) VCF-style: chr5-147781940-A-G.
Other names: c.456A>G, p.Val152= (NM_001271723.2, NM_030793.5).
Identifiers: ClinVar variation 541029 (VCV000541029.15), dbSNP rs146162318, ClinGen allele CA3497038.